The following is an entry in ClinVar:

NM_001379270.1(CNGA1):c.220C>T (p.Gln74Ter)

Genes: CNGA1 (cyclic nucleotide gated channel subunit alpha 1; minus strand), LOC101927157 (uncharacterized LOC101927157; plus strand). Cytogenetic location: 4p12.
Variant type: single nucleotide variant.
Coding change: c.220C>T on transcript NM_001379270.1 (MANE Select); coding-DNA position 220, C replaced by T.
Protein change: p.Gln74Ter; replaces glutamine 74 with a stop codon.
Molecular consequence: nonsense.
Genome position (GRCh38, 1-based): chr4:47,951,357, G>A on the plus strand (C>T on the coding strand, the complement: CNGA1 is on the minus strand). VCF-style: chr4-47951357-G-A. GRCh37 (hg19) VCF-style: chr4-47953374-G-A.
Other names: c.220C>T, p.Gln74Ter (NM_000087.5, NM_001142564.2); short protein forms Q74*.
Identifiers: ClinVar variation 4693627 (VCV004693627.2), dbSNP rs1490804242.

ClinVar aggregate classification (germline): Pathogenic/Likely pathogenic. Review status: criteria provided, multiple submitters, no conflicts (2 of 4 stars). 2 submissions from 2 submitters: Pathogenic (1); Likely pathogenic (1). Last evaluated 2025-12-20.

Conditions:
CNGA1-related disorder. Also called: CNGA1-related condition.

Allele frequency attached by ClinVar (database versions not stated): TOPMed below 0.00001; gnomAD 0.00001.
gnomAD v4.1: 3 of 1,592,266 alleles (0.00019%); highest among the groups gnomAD compares: Non-Finnish European, 0.00026%; no homozygotes.

Submissions (2):

Labcorp Genetics (formerly Invitae), Labcorp
Classification: Pathogenic. Last evaluated: 2025-12-20. Review status: criteria provided, single submitter. Criteria: Invitae Variant Classification Sherloc (09022015). Collection method: clinical testing. Allele origin: germline.
Comment: This sequence change creates a premature translational stop signal (p.Gln78*) in the CNGA1 gene. It is expected to result in an absent or disrupted protein product. Loss-of-function variants in CNGA1 are known to be pathogenic (PMID: 7479749, 25268133). This variant is not present in population databases (gnomAD no frequency). This premature translational stop signal has been observed in individual(s) with autosomal recessive retinitis pigmentosa (PMID: 27391953). This variant is also known as c.246C>A. For these reasons, this variant has been classified as Pathogenic.

Blueprint Genetics
Classification: Likely pathogenic for CNGA1-related disorders. Last evaluated: 2019-10-31. Review status: criteria provided, single submitter. Criteria: ACMG Guidelines, 2015. Collection method: clinical testing. Allele origin: germline. Affected: yes. Observed: 1 variant allele.

Literature cited by the submitters: PubMed 7479749 (cited by Labcorp Genetics (formerly Invitae), Labcorp); PubMed 25268133 (cited by Labcorp Genetics (formerly Invitae), Labcorp); PubMed 27391953 (cited by Labcorp Genetics (formerly Invitae), Labcorp).